The following is an entry in ClinVar:

ClinVar aggregate classification (germline): Uncertain significance (1 of 4 stars; one submission).

Conditions:
Early-infantile DEE. Also called: Early infantile epileptic encephalopathy; Early infantile epileptic encephalopathy with suppression bursts; Ohtahara syndrome. Identifiers: Orphanet 1934, MedGen C0393706, MONDO:0800491.

Submission:

Labcorp Genetics (formerly Invitae), Labcorp
Classification: Uncertain significance for Early-infantile DEE. Last evaluated: 2025-02-07. Review status: criteria provided, single submitter. Criteria: Invitae Variant Classification Sherloc (09022015). Collection method: clinical testing. Allele origin: germline.
Comment: This sequence change replaces leucine, which is neutral and non-polar, with valine, which is neutral and non-polar, at codon 40 of the KCNQ2 protein (p.Leu40Val). This variant is not present in population databases (gnomAD no frequency). This variant has not been reported in the literature in individuals affected with KCNQ2-related conditions. Invitae Evidence Modeling of protein sequence and biophysical properties (such as structural, functional, and spatial information, amino acid conservation, physicochemical variation, residue mobility, and thermodynamic stability) indicates that this missense variant is expected to disrupt KCNQ2 protein function with a positive predictive value of 95%. In summary, the available evidence is currently insufficient to determine the role of this variant in disease. Therefore, it has been classified as a Variant of Uncertain Significance.

NM_172107.4(KCNQ2):c.118C>G (p.Leu40Val)

Gene: KCNQ2 (potassium voltage-gated channel subfamily Q member 2; minus strand). Cytogenetic location: 20q13.33.
Variant type: single nucleotide variant.
Coding change: c.118C>G on transcript NM_172107.4 (MANE Select); coding-DNA position 118, C replaced by G.
Protein change: p.Leu40Val; replaces leucine 40 with valine.
Molecular consequence: missense variant.
Genome position (GRCh38, 1-based): chr20:63,472,346, G>C on the plus strand (C>G on the coding strand, the complement: KCNQ2 is on the minus strand). VCF-style: chr20-63472346-G-C. GRCh37 (hg19) VCF-style: chr20-62103699-G-C.
Other names: c.118C>G, p.Leu40Val (NM_001382235.1, NM_001439003.1, NM_001439004.1 and 4 more transcripts); short protein forms L40V.
Identifiers: ClinVar variation 4803162 (VCV004803162.1).